The following is an entry in ClinVar:

ClinVar aggregate classification (germline): Conflicting classifications of pathogenicity. Review status: criteria provided, conflicting classifications (1 of 4 stars). 5 submissions from 5 submitters: Uncertain significance (4); Likely benign (1). Last evaluated 2025-12-08.

Conditions:
Primary hyperoxaluria, type I (HP1). Also called: Primary hyperoxaluria type 1; OXALOSIS I; GLYCOLIC ACIDURIA; HEPATIC AGT DEFICIENCY. Identifiers: Orphanet 416, Orphanet 93598, MedGen C0268164, MONDO:0009823, OMIM 259900. Disease mechanism: loss of function.
AGXT-related disorder. Also called: AGXT-related condition.

Allele frequency attached by ClinVar (database versions not stated): TOPMed 0.00013; gnomAD exomes 0.00014 and 0.00016; gnomAD 0.00016; ExAC 0.00032.

Submissions (5):

Women's Health and Genetics/Laboratory Corporation of America, LabCorp
Classification: Uncertain significance. Last evaluated: 2025-12-08. Review status: criteria provided, single submitter. Criteria: LabCorp Variant Classification Summary - May 2015. Collection method: clinical testing. Allele origin: germline.

PreventionGenetics, part of Exact Sciences
Classification: Likely benign for AGXT-related condition. Last evaluated: 2025-02-05. Review status: criteria provided, single submitter. Criteria: ACMG Guidelines, 2015. Collection method: clinical testing. Allele origin: germline.
Comment: This variant is classified as likely benign based on ACMG/AMP sequence variant interpretation guidelines (Richards et al. 2015 PMID: 25741868, with internal and published modifications).

Labcorp Genetics (formerly Invitae), Labcorp
Classification: Uncertain significance. Last evaluated: 2022-10-06. Review status: criteria provided, single submitter. Criteria: Invitae Variant Classification Sherloc (09022015). Collection method: clinical testing. Allele origin: germline.
Comment: This sequence change falls in intron 4 of the AGXT gene. It does not directly change the encoded amino acid sequence of the AGXT protein. It affects a nucleotide within the consensus splice site. This variant is present in population databases (rs770992934, gnomAD 0.04%). This variant has not been reported in the literature in individuals affected with AGXT-related conditions. ClinVar contains an entry for this variant (Variation ID: 289109). Variants that disrupt the consensus splice site are a relatively common cause of aberrant splicing (PMID: 17576681, 9536098). Algorithms developed to predict the effect of sequence changes on RNA splicing suggest that this variant is not likely to affect RNA splicing. In summary, the available evidence is currently insufficient to determine the role of this variant in disease. Therefore, it has been classified as a Variant of Uncertain Significance.

Illumina Laboratory Services, Illumina
Classification: Uncertain significance for Primary hyperoxaluria, type I. Last evaluated: 2018-01-13. Review status: criteria provided, single submitter. Criteria: ICSL Variant Classification Criteria 13 December 2019. Collection method: clinical testing. Allele origin: germline.

Eurofins Ntd Llc (ga)
Classification: Uncertain significance. Last evaluated: 2016-06-22. Review status: criteria provided, single submitter. Criteria: EGL Classification Definitions 2015. Collection method: clinical testing. Allele origin: germline. Observed: 1 variant allele, 1 heterozygote.

Literature cited by the submitters: PubMed 17576681 (cited by Labcorp Genetics (formerly Invitae), Labcorp); PubMed 9536098 (cited by Labcorp Genetics (formerly Invitae), Labcorp).

NM_000030.3(AGXT):c.524+6C>A

Gene: AGXT (alanine--glyoxylate aminotransferase; plus strand). Cytogenetic location: 2q37.3.
Variant type: single nucleotide variant.
Coding change: c.524+6C>A on transcript NM_000030.3 (MANE Select); 6 bases into the intron after coding-DNA position 524, C replaced by A.
Molecular consequence: intron variant.
Genome position (GRCh38, 1-based): chr2:240,871,455, C>A. VCF-style: chr2-240871455-C-A. GRCh37 (hg19) VCF-style: chr2-241810872-C-A.
Identifiers: ClinVar variation 289109 (VCV000289109.12), dbSNP rs770992934, ClinGen allele CA2209110.